The following is an entry in ClinVar:

NM_024706.5(ZNF668):c.1859G>A (p.Ter620=)

Gene: ZNF668 (zinc finger protein 668; minus strand). Cytogenetic location: 16p11.2.
Variant type: single nucleotide variant.
Coding change: c.1859G>A on transcript NM_024706.5 (MANE Select); coding-DNA position 1859, G replaced by A.
Protein change: p.Ter620=.
Molecular consequence: synonymous variant.
Genome position (GRCh38, 1-based): chr16:31,061,069, C>T on the plus strand (G>A on the coding strand, the complement: ZNF668 is on the minus strand). VCF-style: chr16-31061069-C-T. GRCh37 (hg19) VCF-style: chr16-31072390-C-T.
Other names: c.1859G>A, p.Ter620= (NM_001172668.2, NM_001172670.2); c.1928G>A, p.Ter643= (NM_001172669.2).
Identifiers: ClinVar variation 786291 (VCV000786291.7), dbSNP rs74720434, ClinGen allele CA8018927.
Genomic context (GRCh38, chr16:31,061,069, plus strand): 5'-ACAGGAAGCCCCCGATGGGGGCTGGGCTCCCGGAGTGTGGTGCTGGGGGGTCATGGGCTT[C>T]AGGCCGGCCCCTCTTCAGGCATTCCTAGCAAAGCCACCAGGGGCTCCAGGGGTGTGGGGG-3'

ClinVar aggregate classification (germline): Benign. Review status: criteria provided, multiple submitters, no conflicts (2 of 4 stars). 3 submissions from 3 submitters: Benign (2). 1 of the submissions does not count toward it. Last evaluated 2019-12-31.

Conditions:
ZNF668-related disorder. Also called: ZNF668-related condition.

Allele frequency attached by ClinVar (database versions not stated): ExAC 0.00643; gnomAD 0.02045 and 0.02209; ESP Exome Variant Server 0.02063; 1000 Genomes Project 30x 0.02202; gnomAD exomes 0.00178 and 0.00610; 1000 Genomes Project 0.02097; TOPMed 0.02271.
gnomAD v4.1: 5,581 of 1,491,286 alleles (0.37%); highest among the groups gnomAD compares: African/African-American, 7%; 170 homozygotes.

Submissions (3):

Labcorp Genetics (formerly Invitae), Labcorp
Classification: Benign. Last evaluated: 2019-12-31. Review status: criteria provided, single submitter. Criteria: Invitae Variant Classification Sherloc (09022015). Collection method: clinical testing. Allele origin: germline.

Breakthrough Genomics
Classification: Benign. Review status: criteria provided, single submitter. Criteria: ACMG Guidelines, 2015. Collection method: not provided. Allele origin: germline. Inheritance: Autosomal recessive inheritance. Affected: yes.

PreventionGenetics, part of Exact Sciences
Classification: Likely benign for ZNF668-related condition. Last evaluated: 2019-12-05. Review status: no assertion criteria provided. Collection method: clinical testing. Allele origin: germline. Not counted in ClinVar's aggregate classification.
Comment: This variant is classified as likely benign based on ACMG/AMP sequence variant interpretation guidelines (Richards et al. 2015 PMID: 25741868, with internal and published modifications).